The following is an entry in ClinVar:

ClinVar aggregate classification (germline): Pathogenic/Likely pathogenic. Review status: criteria provided, multiple submitters, no conflicts (2 of 4 stars). 3 submissions from 3 submitters: Pathogenic (2); Likely pathogenic (1). Last evaluated 2023-04-28.

Conditions:
Hereditary cancer-predisposing syndrome. Also called: Neoplastic Syndromes, Hereditary; Tumor predisposition; Hereditary Cancer Syndrome; Hereditary neoplastic syndrome. Identifiers: Orphanet 140162, MedGen C0027672, MeSH D009386, MONDO:0015356.
Nijmegen breakage syndrome-like disorder (NBSLD). Also called: MICROCEPHALY AND SPONTANEOUS CHROMOSOME INSTABILITY WITHOUT IMMUNODEFICIENCY; NBS-LIKE DISORDER; RAD50 DEFICIENCY. Identifiers: Orphanet 240760, MedGen C2751318, MONDO:0013118, OMIM 613078.

Submissions (3):

Ambry Genetics
Classification: Pathogenic for Hereditary cancer-predisposing syndrome. Last evaluated: 2023-04-28. Review status: criteria provided, single submitter. Criteria: Ambry Variant Classification Scheme 2023. Collection method: clinical testing. Allele origin: germline.
Comment: The c.1208_1209dupGA pathogenic mutation, located in coding exon 8 of the RAD50 gene, results from a duplication of GA at nucleotide position 1208, causing a translational frameshift with a predicted alternate stop codon (p.Q404Dfs*12). This alteration is expected to result in loss of function by premature protein truncation or nonsense-mediated mRNA decay. As such, this alteration is interpreted as a disease-causing mutation.

Sema4
Classification: Likely pathogenic for Nijmegen breakage syndrome-like disorder. Last evaluated: 2022-03-21. Review status: criteria provided, single submitter. Criteria: Sema4 Curation Guidelines. Collection method: curation. Allele origin: germline.
Comment: To the best of our knowledge, the RAD50 c.1208_1209dupGA (p.Q404DfsX12) variant has not been reported in individuals with RAD50-related disease. This variant causes a frameshift at amino acid 404 that results in premature termination 12 amino acids downstream. This variant is predicted to cause loss of normal protein function either through protein truncation or nonsense-mediated mRNA decay. Loss of function variants in RAD50 are known to be pathogenic (PMID: 16385572, 19409520). This variant is not reported in the population database Genome Aggregation Database (PMID: 32461654). The variant has been reported in ClinVar (Variation ID: 187490). Based on the current evidence available, this variant is interpreted as likely pathogenic.

Labcorp Genetics (formerly Invitae), Labcorp
Classification: Pathogenic for Hereditary cancer-predisposing syndrome. Last evaluated: 2021-09-29. Review status: criteria provided, single submitter. Criteria: Invitae Variant Classification Sherloc (09022015). Collection method: clinical testing. Allele origin: germline.
Comment: This sequence change creates a premature translational stop signal (p.Gln404Aspfs*12) in the RAD50 gene. It is expected to result in an absent or disrupted protein product. Loss-of-function variants in RAD50 are known to be pathogenic (PMID: 19409520). This variant is not present in population databases (ExAC no frequency). This variant has not been reported in the literature in individuals affected with RAD50-related conditions. ClinVar contains an entry for this variant (Variation ID: 187490). For these reasons, this variant has been classified as Pathogenic.

Literature cited by the submitters: PubMed 16385572 (cited by Sema4); PubMed 19409520 (cited by Sema4 and Labcorp Genetics (formerly Invitae), Labcorp).

NM_005732.4(RAD50):c.1208_1209dup (p.Gln404fs)

Gene: RAD50 (RAD50 double strand break repair protein; plus strand). Cytogenetic location: 5q31.1.
Variant type: Microsatellite.
Coding change: c.1208_1209dup on transcript NM_005732.4 (MANE Select); coding-DNA positions 1208 to 1209, 2 bases duplicated (GA; older notation c.1208_1209dupGA).
Protein change: p.Gln404fs; shifts the reading frame from glutamine 404.
Molecular consequence: frameshift variant.
Genome position (GRCh38, 1-based): chr5:132,588,843-132,588,844, GA duplicated; duplicating any 2 consecutive bases within chr5:132,588,835-132,588,844 gives the same sequence; the c. name uses the placement nearest the transcript's 3' end. VCF-style (leftmost placement, unchanged base first): chr5-132588834-T-TGA. GRCh37 (hg19) VCF-style: chr5-131924526-T-TGA.
Other names: c.1208_1209dup (NM_005732.3); short protein forms Q404fs.
Identifiers: ClinVar variation 187490 (VCV000187490.14), dbSNP rs786203655, ClinGen allele CA197773.